The following is an entry in ClinVar:

ClinVar aggregate classification (germline): Benign/Likely benign. Review status: criteria provided, multiple submitters, no conflicts (2 of 4 stars). 2 submissions from 2 submitters: Benign (1); Likely benign (1). Last evaluated 2024-09-23.

Conditions:
Hereditary diffuse gastric adenocarcinoma (HDGC). Also called: DIFFUSE GASTRIC AND LOBULAR BREAST CANCER SYNDROME. Identifiers: Orphanet 26106, MedGen C1708349, MONDO:0007648, OMIM 137215.

Allele frequency attached by ClinVar (database versions not stated): gnomAD 0.00001.
gnomAD v4.1: 1 of 1,613,994 alleles (0.000062%); highest among the groups gnomAD compares: African/African-American, 0.0013%; no homozygotes.

Submissions (2):

Myriad Genetics, Inc.
Classification: Benign for Hereditary diffuse gastric adenocarcinoma. Last evaluated: 2024-09-23. Review status: criteria provided, single submitter. Criteria: Myriad Autosomal Dominant, Autosomal Recessive and X-Linked Classification Criteria (2023). Collection method: clinical testing. Allele origin: unknown.
Comment: This variant is considered benign. This variant is a silent/synonymous amino acid change and it is not expected to impact splicing.

Labcorp Genetics (formerly Invitae), Labcorp
Classification: Likely benign for Hereditary diffuse gastric adenocarcinoma. Last evaluated: 2023-12-27. Review status: criteria provided, single submitter. Criteria: Invitae Variant Classification Sherloc (09022015). Collection method: clinical testing. Allele origin: germline.

NM_004360.5(CDH1):c.2328G>A (p.Leu776=)

Gene: CDH1 (cadherin 1; plus strand). Cytogenetic location: 16q22.1.
Variant type: single nucleotide variant.
Coding change: c.2328G>A on transcript NM_004360.5 (MANE Select); coding-DNA position 2328, G replaced by A.
Protein change: p.Leu776=; no amino-acid change (leucine 776 retained).
Molecular consequence: synonymous variant.
Genome position (GRCh38, 1-based): chr16:68,829,686, G>A. VCF-style: chr16-68829686-G-A. GRCh37 (hg19) VCF-style: chr16-68863589-G-A.
Other names: c.2145G>A, p.Leu715= (NM_001317184.2); c.780G>A, p.Leu260= (NM_001317185.2); c.363G>A, p.Leu121= (NM_001317186.2).
Identifiers: ClinVar variation 2705640 (VCV002705640.4), dbSNP rs1302712373, ClinGen allele CA496157376.